The following is an entry in ClinVar:

ClinVar aggregate classification (germline): Uncertain significance (1 of 4 stars; one submission).

Conditions:
COG5-congenital disorder of glycosylation. Also called: CDG IIi; CONGENITAL DISORDER OF GLYCOSYLATION, TYPE IIi; COG5-CDG. Identifiers: Orphanet 263487, MedGen C3150876, MONDO:0013325, OMIM 613612.

gnomAD v4.1: 4 of 1,594,322 alleles (0.00025%); highest among the groups gnomAD compares: Non-Finnish European, 0.00026%; no homozygotes.

Submission:

Labcorp Genetics (formerly Invitae), Labcorp
Classification: Uncertain significance for COG5-congenital disorder of glycosylation. Last evaluated: 2022-08-20. Review status: criteria provided, single submitter. Criteria: Invitae Variant Classification Sherloc (09022015). Collection method: clinical testing. Allele origin: germline.
Comment: In summary, the available evidence is currently insufficient to determine the role of this variant in disease. Therefore, it has been classified as a Variant of Uncertain Significance. Algorithms developed to predict the effect of missense changes on protein structure and function output the following: SIFT: "Tolerated"; PolyPhen-2: "Benign"; Align-GVGD: "Class C0". The isoleucine amino acid residue is found in multiple mammalian species, which suggests that this missense change does not adversely affect protein function. This variant has not been reported in the literature in individuals affected with COG5-related conditions. This variant is not present in population databases (gnomAD no frequency). This sequence change replaces valine, which is neutral and non-polar, with isoleucine, which is neutral and non-polar, at codon 372 of the COG5 protein (p.Val372Ile).

NM_006348.5(COG5):c.1021G>A (p.Val341Ile)

Gene: COG5 (component of oligomeric golgi complex 5; minus strand). Cytogenetic location: 7q22.3.
Variant type: single nucleotide variant.
Coding change: c.1021G>A on transcript NM_006348.5 (MANE Select); coding-DNA position 1021, G replaced by A.
Protein change: p.Val341Ile; replaces valine 341 with isoleucine.
Molecular consequence: missense variant. On other transcripts: intron variant (1).
Genome position (GRCh38, 1-based): chr7:107,362,038, C>T on the plus strand (G>A on the coding strand, the complement: COG5 is on the minus strand). VCF-style: chr7-107362038-C-T. GRCh37 (hg19) VCF-style: chr7-107002483-C-T.
Other names: c.1021G>A, p.Val341Ile (NM_001161520.2, NM_001379511.1, NM_001379512.1 and 3 more transcripts); c.307G>A, p.Val103Ile (NM_001379516.1); c.539-63692G>A (NM_001379515.1); short protein forms V341I, V103I.
Identifiers: ClinVar variation 2101815 (VCV002101815.4), dbSNP rs2536500926, ClinGen allele CA368939859.